The following is an entry in ClinVar:

NM_001174150.2(ARL13B):c.1122A>C (p.Pro374=)

Gene: ARL13B (ARF like GTPase 13B; plus strand). Cytogenetic location: 3q11.2.
Variant type: single nucleotide variant.
Coding change: c.1122A>C on transcript NM_001174150.2 (MANE Select); coding-DNA position 1122, A replaced by C.
Protein change: p.Pro374=; no amino-acid change (proline 374 retained).
Molecular consequence: synonymous variant. On other transcripts: non-coding transcript variant (2).
Genome position (GRCh38, 1-based): chr3:94,049,503, A>C. VCF-style: chr3-94049503-A-C. GRCh37 (hg19) VCF-style: chr3-93768347-A-C.
Other names: c.813A>C, p.Pro271= (NM_001174151.2); c.1077A>C, p.Pro359= (NM_001321328.2); c.1122A>C, p.Pro374= (NM_001410782.1, NM_182896.3); c.801A>C, p.Pro267= (NM_144996.4).
Identifiers: ClinVar variation 3341728 (VCV003341728.17).

ClinVar aggregate classification (germline): Likely benign. Review status: criteria provided, multiple submitters, no conflicts (2 of 4 stars). 2 submissions from 2 submitters: Likely benign (2). Last evaluated 2025-02-01.

Submissions (2):

CeGaT Center for Human Genetics Tuebingen
Classification: Likely benign. Last evaluated: 2025-02-01. Review status: criteria provided, single submitter. Criteria: CeGaT Center For Human Genetics Tuebingen Variant Classification Criteria Version 2. Collection method: clinical testing. Allele origin: germline. Affected: yes. Observed: 2 variant alleles.
Comment: ARL13B: BP4, BP7

Blueprint Genetics
Classification: Likely benign. Last evaluated: 2022-10-27. Review status: criteria provided, single submitter. Criteria: ACMG Guidelines, 2015. Collection method: clinical testing. Allele origin: germline.